The following is an entry in ClinVar:

NM_015443.4(KANSL1):c.989G>A (p.Ser330Asn)

Gene: KANSL1 (KAT8 regulatory NSL complex subunit 1). Cytogenetic location: 17q21.31.
Variant type: single nucleotide variant.
Coding change: c.989G>A on transcript NM_015443.4 (MANE Select); coding-DNA position 989, G replaced by A.
Protein change: p.Ser330Asn; replaces serine 330 with asparagine.
Molecular consequence: missense variant.
Genome position (GRCh38, 1-based): chr17:46,171,155, C>T on the plus strand (G>A on the coding strand, the complement: KANSL1 is on the minus strand). VCF-style: chr17-46171155-C-T. GRCh37 (hg19) VCF-style: chr17-44248521-C-T.
Other names: c.989G>A, p.Ser330Asn (NM_001193465.2, NM_001193466.2, NM_001379198.1); short protein forms S330N.
Identifiers: ClinVar variation 1434588 (VCV001434588.5), dbSNP rs2147735832, ClinGen allele CA399979781.
Genomic context (GRCh38, chr17:46,171,155, plus strand): 5'-GCCTTTCGAGTCAGCATCAACTGGCTCCGTGGTCTCAAGGATTCCAAGTTTGGCAGTTTG[C>T]TCAAAGTCTTCTCCAAAAATCCACCCAGCTGATGTTGTATATGCCTCTCAACCTGCTTGG-3'
Protein context (NP_056258.1, residues 320-340): QLGGFLEKTL[Ser330Asn]KLPNLESLRP

ClinVar aggregate classification (germline): Uncertain significance (1 of 4 stars; one submission).

Conditions:
Koolen-de Vries syndrome (KDVS). Identifiers: Orphanet 96169, MedGen C1864871, MONDO:0012496, OMIM 610443.

Submission:

Labcorp Genetics (formerly Invitae), Labcorp
Classification: Uncertain significance for Koolen-de Vries syndrome. Last evaluated: 2021-09-17. Review status: criteria provided, single submitter. Criteria: Invitae Variant Classification Sherloc (09022015). Collection method: clinical testing. Allele origin: germline.
Comment: Due to the possible presence of a polymorphic segmental duplication, the location of the variant could not be unambiguously resolved. Variants with ambiguous mapping are still reported relative to the KANSL1 transcript. This sequence change replaces serine with asparagine at codon 330 of the KANSL1 protein (p.Ser330Asn). The serine residue is highly conserved and there is a small physicochemical difference between serine and asparagine. The frequency data for this variant in the population databases (ExAC) is considered unreliable due to the presence of homologous sequence, such as pseudogenes or paralogs, in the genome. This variant has not been reported in the literature in individuals with KANSL1-related conditions. Algorithms developed to predict the effect of missense changes on protein structure and function (SIFT, PolyPhen-2, Align-GVGD) all suggest that this variant is likely to be tolerated. Until the location of this sequence change can be resolved, the clinical significance of this variant remains uncertain. It has been classified as a Variant of Uncertain Significance.